The following is an entry in ClinVar:

ClinVar aggregate classification (germline): Uncertain significance (1 of 4 stars; one submission).

Conditions:
Charcot-Marie-Tooth disease type 2R. Also called: CHARCOT-MARIE-TOOTH NEUROPATHY, TYPE 2R; CHARCOT-MARIE-TOOTH DISEASE, AXONAL, AUTOSOMAL RECESSIVE, TYPE 2R; Charcot-Marie-Tooth disease, axonal, type 2R. Identifiers: Orphanet 397968, MedGen C3809655, MONDO:0014208, OMIM 615490.

Submission:

Broad Center for Mendelian Genomics, Broad Institute of MIT and Harvard
Classification: Uncertain significance for Charcot-Marie-Tooth disease type 2R. Last evaluated: 2023-05-02. Review status: criteria provided, single submitter. Criteria: ACMG Guidelines, 2015. Collection method: curation. Allele origin: germline. Inheritance: Autosomal recessive inheritance.
Comment: The p.Leu264SerfsTer37 variant in TRIM2 has not been previously reported in individuals with axonal Charcot-Marie-Tooth disease type 2R. This variant was absent from large population studies. This variant is predicted to cause a frameshift, which alters the protein‚Äôs amino acid sequence beginning at position 264 and leads to a premature termination codon 37 amino acids downstream. This alteration is then predicted to lead to a truncated or absent protein. While there is some evidence to suggest that loss of function of the TRIM2 gene is a disease mechanism in autosomal recessive axonal Charcot-Marie-Tooth disease type 2R., this association is not yet strongly established based on the criteria laid out in Tayoun, 2018 (PMID: 30192042). In summary, while there is some suspicion for a pathogenic role, the clinical significance of this variant is uncertain. ACMG/AMP Criteria applied: PVS1_Moderate, PM2_Supporting (Richards 2015).

NM_015271.5(TRIM2):c.790del (p.Leu264fs)

Gene: TRIM2 (tripartite motif containing 2; plus strand). Cytogenetic location: 4q31.3.
Variant type: Deletion.
Coding change: c.790del on transcript NM_015271.5 (MANE Select); coding-DNA position 790, one base deleted (C; older notation c.790delC).
Protein change: p.Leu264fs; shifts the reading frame from leucine 264.
Molecular consequence: frameshift variant.
Genome position (GRCh38, 1-based): chr4:153,295,316, C deleted; the last of 2 consecutive C bases (chr4:153,295,315-153,295,316); deleting either gives the same sequence. VCF-style (leftmost placement, unchanged base first): chr4-153295314-TC-T. GRCh37 (hg19) VCF-style: chr4-154216466-TC-T.
Other names: NM_001375525.1:c.451del; c.709del, p.Leu237fs (NM_001130067.2, NM_001351056.2, NM_001375512.1 and 5 more transcripts); c.763del, p.Leu255fs (NM_001351054.2); c.760del, p.Leu254fs (NM_001351055.2); c.334del, p.Leu112fs (NM_001351057.2); c.883del, p.Leu295fs (NM_001375488.1); c.880del, p.Leu294fs (NM_001375489.1); c.733del, p.Leu245fs (NM_001375490.1); and 4 more; short protein forms L112fs, L151fs, L152fs, L153fs, L237fs, L244fs, L245fs, L254fs.
Identifiers: ClinVar variation 2500899 (VCV002500899.1), dbSNP rs2546525713, ClinGen allele CA658820624.
Genomic context (GRCh38, chr4:153,295,314, plus strand): 5'-GCCCCGGGCTAGGCCCCGCCCTGTGGGACGAGCTCACCAGGCCTCCGGTTTTCCCGCAGG[TC>T]CTCCAGTCGCAGCTGGATACTCTGCTCCAGGGGCAGGAGAGCATTAAGAGCTGCAGCAAC-3'